The following is an entry in ClinVar:

NM_003073.5(SMARCB1):c.-11C>G

Gene: SMARCB1 (SWI/SNF related, matrix associated, actin dependent regulator of chromatin, subfamily b, member 1; plus strand). Cytogenetic location: 22q11.23.
Variant type: single nucleotide variant.
Coding change: c.-11C>G on transcript NM_003073.5 (MANE Select); 11 bases upstream of the start codon, C replaced by G.
Molecular consequence: 5 prime UTR variant.
Genome position (GRCh38, 1-based): chr22:23,787,159, C>G. VCF-style: chr22-23787159-C-G. GRCh37 (hg19) VCF-style: chr22-24129346-C-G.
Other names: c.-11C>G (LRG_520t1, NM_001007468.3, NM_001317946.2 and 1 more transcripts).
Identifiers: ClinVar variation 509953 (VCV000509953.1), dbSNP rs753903024, ClinGen allele CA10145810.

ClinVar aggregate classification (germline): Likely benign (1 of 4 stars; one submission).

Allele frequency attached by ClinVar (database versions not stated): gnomAD 0.00003; TOPMed 0.00005.
gnomAD v4.1: 58 of 1,596,548 alleles (0.0036%); highest among the groups gnomAD compares: Non-Finnish European, 0.0045%; no homozygotes.

Submission:

GeneDx
Classification: Likely benign. Last evaluated: 2017-06-01. Review status: criteria provided, single submitter. Criteria: GeneDx Variant Classification (06012015). Collection method: clinical testing. Allele origin: germline. Affected: yes.
Comment: This variant is considered likely benign or benign based on one or more of the following criteria: it is a conservative change, it occurs at a poorly conserved position in the protein, it is predicted to be benign by multiple in silico algorithms, and/or has population frequency not consistent with disease.